The following is an entry in ClinVar:

ClinVar aggregate classification (germline): Uncertain significance. Review status: criteria provided, multiple submitters, no conflicts (2 of 4 stars). 2 submissions from 2 submitters: Uncertain significance (2). Last evaluated 2022-01-26.

Conditions:
Hereditary cancer-predisposing syndrome. Also called: Hereditary neoplastic syndrome; Tumor predisposition; Hereditary Cancer Syndrome; Neoplastic Syndromes, Hereditary. Identifiers: Orphanet 140162, MedGen C0027672, MeSH D009386, MONDO:0015356.
Gastrointestinal stromal tumor. Also called: Gastrointestinal stroma tumor; Gastrointestinal stromal tumor, somatic. Identifiers: Orphanet 44890, MedGen C0238198, MeSH D046152, MONDO:0011719, OMIM 606764, HP:0100723.

Submissions (2):

Labcorp Genetics (formerly Invitae), Labcorp
Classification: Uncertain significance for Gastrointestinal stromal tumor. Last evaluated: 2022-01-26. Review status: criteria provided, single submitter. Criteria: Invitae Variant Classification Sherloc (09022015). Collection method: clinical testing. Allele origin: germline.
Comment: This sequence change replaces lysine, which is basic and polar, with glutamic acid, which is acidic and polar, at codon 256 of the PDGFRA protein (p.Lys256Glu). This variant is not present in population databases (gnomAD no frequency). In summary, the available evidence is currently insufficient to determine the role of this variant in disease. Therefore, it has been classified as a Variant of Uncertain Significance. Algorithms developed to predict the effect of missense changes on protein structure and function (SIFT, PolyPhen-2, Align-GVGD) all suggest that this variant is likely to be tolerated. This variant has not been reported in the literature in individuals affected with PDGFRA-related conditions.

Ambry Genetics
Classification: Uncertain significance for Hereditary cancer-predisposing syndrome. Last evaluated: 2021-06-13. Review status: criteria provided, single submitter. Criteria: Ambry Variant Classification Scheme 2023. Collection method: clinical testing. Allele origin: germline.
Comment: The p.K256E variant (also known as c.766A>G), located in coding exon 5 of the PDGFRA gene, results from an A to G substitution at nucleotide position 766. The lysine at codon 256 is replaced by glutamic acid, an amino acid with similar properties. This amino acid position is conserved. In addition, this alteration is predicted to be tolerated by in silico analysis. Since supporting evidence is limited at this time, the clinical significance of this alteration remains unclear.

NM_006206.6(PDGFRA):c.766A>G (p.Lys256Glu)

Gene: PDGFRA (platelet derived growth factor receptor alpha; plus strand). Cytogenetic location: 4q12.
Variant type: single nucleotide variant.
Coding change: c.766A>G on transcript NM_006206.6 (MANE Select); coding-DNA position 766, A replaced by G.
Protein change: p.Lys256Glu; replaces lysine 256 with glutamic acid.
Molecular consequence: missense variant.
Genome position (GRCh38, 1-based): chr4:54,267,295, A>G. VCF-style: chr4-54267295-A-G. GRCh37 (hg19) VCF-style: chr4-55133462-A-G.
Other names: c.766A>G, p.Lys256Glu (NM_001347827.2, NM_001347829.2); c.841A>G, p.Lys281Glu (NM_001347828.2); c.805A>G, p.Lys269Glu (NM_001347830.2); short protein forms K269E, K281E, K256E.
Identifiers: ClinVar variation 1447844 (VCV001447844.16), dbSNP rs2110264392, ClinGen allele CA356891062.